The following is an entry in ClinVar:

NM_001360016.2(G6PD):c.1454G>A (p.Gly485Asp)

Gene: G6PD (glucose-6-phosphate dehydrogenase; minus strand). Cytogenetic location: Xq28.
Variant type: single nucleotide variant.
Coding change: c.1454G>A on transcript NM_001360016.2 (MANE Select); coding-DNA position 1454, G replaced by A.
Protein change: p.Gly485Asp; replaces glycine 485 with aspartic acid.
Molecular consequence: missense variant.
Genome position (GRCh38, 1-based): chrX:154,532,191, C>T on the plus strand (G>A on the coding strand, the complement: G6PD is on the minus strand). VCF-style: chrX-154532191-C-T. GRCh37 (hg19) VCF-style: chrX-153760406-C-T.
Other names: c.1544G>A, p.Gly515Asp (NM_000402.4); c.1454G>A, p.Gly485Asp (NM_001042351.3); short protein forms G485D, G515D.
Identifiers: ClinVar variation 4078691 (VCV004078691.2).

ClinVar aggregate classification (germline): Conflicting classifications of pathogenicity. Review status: criteria provided, conflicting classifications (1 of 4 stars). 2 submissions from 2 submitters: Pathogenic (1); Uncertain significance (1). Last evaluated 2025-09-19.

Conditions:
Anemia, nonspherocytic hemolytic, due to G6PD deficiency (CNSHA1). Also called: Hemolytic anemia due to G6PD deficiency; ANEMIA, CONGENITAL, NONSPHEROCYTIC HEMOLYTIC, 1; Class I glucose-6-phosphate dehydrogenase deficiency; Favism, susceptibility to. Identifiers: Orphanet 466026, MedGen C2720289, MONDO:0010480, OMIM 300908.

Submissions (2):

Labcorp Genetics (formerly Invitae), Labcorp
Classification: Pathogenic for Anemia, nonspherocytic hemolytic, due to G6PD deficiency. Last evaluated: 2025-09-19. Review status: criteria provided, single submitter. Criteria: Invitae Variant Classification Sherloc (09022015). Collection method: clinical testing. Allele origin: germline.
Comment: This sequence change replaces glycine, which is neutral and non-polar, with aspartic acid, which is acidic and polar, at codon 485 of the G6PD protein (p.Gly485Asp). This variant is not present in population databases (gnomAD no frequency). This missense change has been observed in individual(s) with glucose-6-phosphate dehydrogenase deficiency (PMID: 34533603; external communication). Invitae Evidence Modeling of protein sequence and biophysical properties (such as structural, functional, and spatial information, amino acid conservation, physicochemical variation, residue mobility, and thermodynamic stability) indicates that this missense variant is expected to disrupt G6PD protein function with a positive predictive value of 95%. For these reasons, this variant has been classified as Pathogenic.

Revvity Omics, Revvity
Classification: Uncertain significance for Anemia, nonspherocytic hemolytic, due to G6PD deficiency. Last evaluated: 2024-01-24. Review status: criteria provided, single submitter. Criteria: ACMG Guidelines, 2015. Collection method: clinical testing. Allele origin: germline.

Literature cited by the submitters: PubMed 34533603 (cited by Labcorp Genetics (formerly Invitae), Labcorp).